The following is an entry in ClinVar:

NM_000257.4(MYH7):c.4504A>T (p.Asn1502Tyr)

Genes: MHRT (myosin heavy chain associated RNA transcript; plus strand), MYH7 (myosin heavy chain 7; minus strand). Cytogenetic location: 14q11.2.
Variant type: single nucleotide variant.
Coding change: c.4504A>T on transcript NM_000257.4 (MANE Select); coding-DNA position 4504, A replaced by T.
Protein change: p.Asn1502Tyr; replaces asparagine 1502 with tyrosine.
Molecular consequence: missense variant.
Genome position (GRCh38, 1-based): chr14:23,417,168, T>A on the plus strand (A>T on the coding strand, the complement: MYH7 is on the minus strand). VCF-style: chr14-23417168-T-A. GRCh37 (hg19) VCF-style: chr14-23886377-T-A.
Other names: c.4504A>T, p.Asn1502Tyr (NM_001407004.1); short protein forms N1502Y.
Identifiers: ClinVar variation 3387299 (VCV003387299.1).

ClinVar aggregate classification (germline): Uncertain significance (1 of 4 stars; one submission).

Conditions:
Cardiomyopathy (CMYO). Also called: Cardiomyopathies. Identifiers: Orphanet 167848, MedGen C0878544, MONDO:0004994, HP:0001638. Inheritance: Various modes of inheritance.

gnomAD v4.1: 2 of 1,613,978 alleles (0.00012%); highest among the groups gnomAD compares: Non-Finnish European, 0.00017%; no homozygotes.

Submission:

All of Us Research Program, National Institutes of Health
Classification: Uncertain significance for Cardiomyopathy. Last evaluated: 2024-07-20. Review status: criteria provided, single submitter. Criteria: ACMG Guidelines, 2015. Collection method: clinical testing. Allele origin: germline. Inheritance: Autosomal dominant inheritance. Observed: 1 variant allele, 1 heterozygote.
Comment: This missense variant replaces asparagine with tyrosine at codon 1502 of the MYH7 protein. Computational prediction suggests that this variant may have deleterious impact on protein structure and function (internally defined REVEL score threshold >= 0.7, PMID: 27666373). To our knowledge, functional studies have not been reported for this variant. This variant has not been reported in individuals affected with MYH7-related disorders in the literature. This variant has not been identified in the general population by the Genome Aggregation Database (gnomAD). The available evidence is insufficient to determine the role of this variant in disease conclusively. Therefore, this variant is classified as a Variant of Uncertain Significance.

This study involves interpretation of variants in research participants for the purpose of population health screening. Participant phenotype was not available at the time of variant classification. Additional details can be found in publication PMID: 35346344, PMCID: PMC8962531